The following is an entry in ClinVar:

ClinVar aggregate classification (germline): Uncertain significance (1 of 4 stars; one submission).

Conditions:
Neuromuscular disease caused by qualitative or quantitative defects of dysferlin. Also called: Dysferlinopathy; Qualitative or quantitative defects of dysferlin. Identifiers: Orphanet 207073, MedGen C2931687, MONDO:0016145.

gnomAD v4.1: 2 of 1,614,102 alleles (0.00012%); highest among the groups gnomAD compares: Admixed American, 0.0033%; no homozygotes.

Submission:

Labcorp Genetics (formerly Invitae), Labcorp
Classification: Uncertain significance for Neuromuscular disease caused by qualitative or quantitative defects of dysferlin. Last evaluated: 2021-05-31. Review status: criteria provided, single submitter. Criteria: Invitae Variant Classification Sherloc (09022015). Collection method: clinical testing. Allele origin: germline.
Comment: This sequence change replaces arginine with serine at codon 1095 of the DYSF protein (p.Arg1095Ser). The arginine residue is moderately conserved and there is a moderate physicochemical difference between arginine and serine. This variant is not present in population databases (ExAC no frequency). This variant has not been reported in the literature in individuals with DYSF-related conditions. Algorithms developed to predict the effect of missense changes on protein structure and function are either unavailable or do not agree on the potential impact of this missense change (SIFT: "Deleterious"; PolyPhen-2: "Probably Damaging"; Align-GVGD: "Class C0"). In summary, the available evidence is currently insufficient to determine the role of this variant in disease. Therefore, it has been classified as a Variant of Uncertain Significance.

NM_001130987.2(DYSF):c.3337C>A (p.Arg1113Ser)

Gene: DYSF (dysferlin; plus strand). Cytogenetic location: 2p13.2.
Variant type: single nucleotide variant.
Coding change: c.3337C>A on transcript NM_001130987.2 (MANE Select); coding-DNA position 3337, C replaced by A.
Protein change: p.Arg1113Ser; replaces arginine 1113 with serine.
Molecular consequence: missense variant.
Genome position (GRCh38, 1-based): chr2:71,574,306, C>A. VCF-style: chr2-71574306-C-A. GRCh37 (hg19) VCF-style: chr2-71801436-C-A.
Other names: c.3286C>A, p.Arg1096Ser (NM_001130455.2, NM_001130983.2); c.3241C>A, p.Arg1081Ser (NM_001130976.2, NM_001130977.2); c.3283C>A, p.Arg1095Ser (NM_001130978.2, NM_003494.4); c.3376C>A, p.Arg1126Ser (NM_001130979.2); c.3334C>A, p.Arg1112Ser (NM_001130980.2, NM_001130981.2); c.3379C>A, p.Arg1127Ser (NM_001130982.2); c.3244C>A, p.Arg1082Ser (NM_001130984.2, NM_001130986.2); c.3337C>A, p.Arg1113Ser (NM_001130985.2); short protein forms R1081S, R1082S, R1126S, R1127S, R1095S, R1096S, R1112S, R1113S.
Identifiers: ClinVar variation 1952998 (VCV001952998.2), dbSNP rs141536854, ClinGen allele CA347218260.